The following is an entry in ClinVar:

ClinVar aggregate classification (germline): Conflicting classifications of pathogenicity. Review status: criteria provided, conflicting classifications (1 of 4 stars). 5 submissions from 5 submitters: Uncertain significance (4); Likely benign (1). Last evaluated 2025-11-30.

Conditions:
Inborn genetic diseases. Identifiers: MedGen C0950123, MeSH D030342.
Pitt-Hopkins-like syndrome 2 (PTHSL2). Identifiers: Orphanet 221150, Orphanet 600663, MedGen C3280479, MONDO:0013690, OMIM 614325.

Allele frequency attached by ClinVar (database versions not stated): gnomAD 0.00009 and 0.00010; gnomAD exomes 0.00010; ExAC 0.00013; 1000 Genomes Project 30x 0.00016; 1000 Genomes Project 0.00020; ESP Exome Variant Server 0.00008; TOPMed 0.00008.
gnomAD v4.1: 158 of 1,550,970 alleles (0.01%); highest among the groups gnomAD compares: Non-Finnish European, 0.013%; no homozygotes.

Submissions (5):

Labcorp Genetics (formerly Invitae), Labcorp
Classification: Uncertain significance for Pitt-Hopkins-like syndrome 2. Last evaluated: 2025-11-30. Review status: criteria provided, single submitter. Criteria: Invitae Variant Classification Sherloc (09022015). Collection method: clinical testing. Allele origin: germline.
Comment: This sequence change replaces phenylalanine, which is neutral and non-polar, with tyrosine, which is neutral and polar, at codon 250 of the NRXN1 protein (p.Phe250Tyr). This variant is present in population databases (rs200646155, gnomAD 0.02%). This variant has not been reported in the literature in individuals affected with NRXN1-related conditions. ClinVar contains an entry for this variant (Variation ID: 206246). An algorithm developed to predict the effect of missense changes on protein structure and function (PolyPhen-2) suggests that this variant is likely to be tolerated. In summary, the available evidence is currently insufficient to determine the role of this variant in disease. Therefore, it has been classified as a Variant of Uncertain Significance.

CeGaT Center for Human Genetics Tuebingen
Classification: Uncertain significance. Last evaluated: 2022-11-01. Review status: criteria provided, single submitter. Criteria: CeGaT Center For Human Genetics Tuebingen Variant Classification Criteria Version 2. Collection method: clinical testing. Allele origin: germline. Affected: yes. Observed: 2 variant alleles.

Ambry Genetics
Classification: Uncertain significance for Inborn genetic diseases. Last evaluated: 2021-12-15. Review status: criteria provided, single submitter. Criteria: Ambry Variant Classification Scheme 2023. Collection method: clinical testing. Allele origin: germline.

GeneDx
Classification: Likely benign. Last evaluated: 2019-04-04. Review status: criteria provided, single submitter. Criteria: GeneDx Variant Classification Process June 2021. Collection method: clinical testing. Allele origin: germline. Affected: yes.

Genetic Services Laboratory, University of Chicago
Classification: Uncertain significance. Last evaluated: 2015-07-24. Review status: criteria provided, single submitter. Criteria: ACMG Guidelines, 2015. Collection method: clinical testing. Allele origin: germline.

NM_001330078.2(NRXN1):c.749T>A (p.Phe250Tyr)

Gene: NRXN1 (neurexin 1; minus strand). Cytogenetic location: 2p16.3.
Variant type: single nucleotide variant.
Coding change: c.749T>A on transcript NM_001330078.2 (MANE Select); coding-DNA position 749, T replaced by A.
Protein change: p.Phe250Tyr; replaces phenylalanine 250 with tyrosine.
Molecular consequence: missense variant.
Genome position (GRCh38, 1-based): chr2:51,027,525, A>T on the plus strand (T>A on the coding strand, the complement: NRXN1 is on the minus strand). VCF-style: chr2-51027525-A-T. GRCh37 (hg19) VCF-style: chr2-51254663-A-T.
Other names: p.F250Y:TTC>TAC; c.749T>A, p.Phe250Tyr (NM_001135659.3, NM_001330077.2, NM_001330079.2 and 15 more transcripts); short protein forms F250Y.
Identifiers: ClinVar variation 206246 (VCV000206246.41), dbSNP rs200646155, ClinGen allele CA316139.